The following is an entry in ClinVar:

ClinVar aggregate classification (germline): Uncertain significance (1 of 4 stars; one submission).

Conditions:
Frontotemporal dementia and/or amyotrophic lateral sclerosis 6 (FTDALS6). Also called: VCP-Related Amyotrophic Lateral Sclerosis; VCP-Related Amyotrophic Lateral Sclerosis/Frontotemporal Dementia. Identifiers: Orphanet 275872, Orphanet 803, MedGen C5436279, MONDO:0013501, OMIM 613954.
Inclusion body myopathy with Paget disease of bone and frontotemporal dementia. Also called: Inclusion body myopathy with early-onset Paget disease and frontotemporal dementia. Identifiers: Orphanet 52430, MedGen C1833662, MONDO:0000507.

Submission:

Labcorp Genetics (formerly Invitae), Labcorp
Classification: Uncertain significance for Inclusion body myopathy with Paget disease of bone and frontotemporal dementia; Frontotemporal dementia and/or amyotrophic lateral sclerosis 6. Last evaluated: 2022-01-19. Review status: criteria provided, single submitter. Criteria: Invitae Variant Classification Sherloc (09022015). Collection method: clinical testing. Allele origin: germline.
Comment: Advanced modeling of protein sequence and biophysical properties (such as structural, functional, and spatial information, amino acid conservation, physicochemical variation, residue mobility, and thermodynamic stability) performed at Invitae indicates that this missense variant is expected to disrupt VCP protein function. This variant has not been reported in the literature in individuals affected with VCP-related conditions. This variant is not present in population databases (gnomAD no frequency). This sequence change replaces threonine, which is neutral and polar, with isoleucine, which is neutral and non-polar, at codon 679 of the VCP protein (p.Thr679Ile). In summary, the available evidence is currently insufficient to determine the role of this variant in disease. Therefore, it has been classified as a Variant of Uncertain Significance.

NM_007126.5(VCP):c.2036C>T (p.Thr679Ile)

Gene: VCP (valosin containing protein; minus strand). Cytogenetic location: 9p13.3.
Variant type: single nucleotide variant.
Coding change: c.2036C>T on transcript NM_007126.5 (MANE Select); coding-DNA position 2036, C replaced by T.
Protein change: p.Thr679Ile; replaces threonine 679 with isoleucine.
Molecular consequence: missense variant.
Genome position (GRCh38, 1-based): chr9:35,059,188, G>A on the plus strand (C>T on the coding strand, the complement: VCP is on the minus strand). VCF-style: chr9-35059188-G-A. GRCh37 (hg19) VCF-style: chr9-35059185-G-A.
Other names: c.1901C>T, p.Thr634Ile (NM_001354927.2, NM_001354928.2); short protein forms T634I, T679I.
Identifiers: ClinVar variation 2033936 (VCV002033936.4), dbSNP rs2490346268, ClinGen allele CA373274232.